The following is an entry in ClinVar:

ClinVar aggregate classification (germline): Pathogenic. Review status: criteria provided, single submitter (1 of 4 stars). 2 submissions from 2 submitters: Pathogenic (1). 1 of the submissions does not count toward it. Last evaluated 2020-02-02.

Conditions:
Joubert syndrome 3 (JBTS3). Also called: AHI1-related Ciliopathy. Identifiers: Orphanet 220493, MedGen C1837713, MONDO:0012078, OMIM 608629.
Joubert syndrome. Also called: Familial aplasia of the vermis; JOUBERT-BOLTSHAUSER SYNDROME. Identifiers: Orphanet 475, MedGen C5979921, MONDO:0018772.

Submissions (2):

Labcorp Genetics (formerly Invitae), Labcorp
Classification: Pathogenic for Joubert syndrome. Last evaluated: 2020-02-02. Review status: criteria provided, single submitter. Criteria: Invitae Variant Classification Sherloc (09022015). Collection method: clinical testing. Allele origin: germline.
Comment: For these reasons, this variant has been classified as Pathogenic. Loss-of-function variants in AHI1 are known to be pathogenic (PMID: 15322546, 16453322). This variant has been observed in individual(s) with clinical features of an AHI1-related condition (PMID: 26729329). This variant is not present in population databases (ExAC no frequency). This sequence change creates a premature translational stop signal (p.Leu832*) in the AHI1 gene. It is expected to result in an absent or disrupted protein product.

Hong-Tao Li Lab, Institute of Brain Science and Brain-inspired Research, Shandong First Medical University & Shandong Academy of Medical Sciences China
Classification: Pathogenic for Joubert syndrome 3. Review status: no assertion criteria provided. Collection method: research. Allele origin: germline. Inheritance: Autosomal recessive inheritance. Affected: yes. Observed: 1 variant allele, 1 homozygote. Not counted in ClinVar's aggregate classification.
Comment: Observed in affected individuals from a Pakistani neurodevelopmental-disorder research cohort of 263 individuals. Classification assigned using the ACMG/AMP framework. Population-frequency evidence: gnomAD AF 8.648e-06.

Literature cited by the submitters: PubMed 15322546 (cited by Labcorp Genetics (formerly Invitae), Labcorp); PubMed 16453322 (cited by Labcorp Genetics (formerly Invitae), Labcorp); PubMed 26729329 (cited by Labcorp Genetics (formerly Invitae), Labcorp).

NM_001134831.2(AHI1):c.2495del (p.Ile831_Leu832insTer)

Gene: AHI1 (Abelson helper integration site 1; minus strand). Cytogenetic location: 6q23.3.
Variant type: Deletion.
Coding change: c.2495del on transcript NM_001134831.2 (MANE Select); coding-DNA position 2495, one base deleted (T; older notation c.2495delT).
Protein change: p.Ile831_Leu832insTer.
Molecular consequence: nonsense.
Genome position (GRCh38, 1-based): chr6:135,428,757, A deleted on the plus strand (T on the coding strand, the reverse complement: AHI1 is on the minus strand); the first of 2 consecutive A bases (chr6:135,428,757-135,428,758); deleting either gives the same sequence. VCF-style (leftmost placement, unchanged base first): chr6-135428756-TA-T. GRCh37 (hg19) VCF-style: chr6-135749894-TA-T.
Other names: c.2495del, p.Ile831_Leu832insTer (NM_001134830.2, NM_001134832.2, NM_001350503.2 and 2 more transcripts).
Identifiers: ClinVar variation 1074597 (VCV001074597.10), dbSNP rs1410559569, ClinGen allele CA570557238.